The following is an entry in ClinVar:

NM_000142.5(FGFR3):c.1087_1095del (p.Leu363_Glu365del)

Gene: FGFR3 (fibroblast growth factor receptor 3; plus strand). Cytogenetic location: 4p16.3.
Variant type: Deletion.
Coding change: c.1087_1095del on transcript NM_000142.5 (MANE Select); coding-DNA positions 1087 to 1095, 9 bases deleted (CTGGTGGAG; older notation c.1087_1095delCTGGTGGAG).
Protein change: p.Leu363_Glu365del.
Molecular consequence: inframe indel (on NM_000142.4). On other transcripts: non-coding transcript variant (1), intron variant (1).
Genome position (GRCh38, 1-based): chr4:1,804,341-1,804,349, CTGGTGGAG deleted; deleting any 9 consecutive bases within chr4:1,804,337-1,804,349 gives the same sequence; the c. name uses the placement nearest the transcript's 3' end. VCF-style (leftmost placement, unchanged base first): chr4-1804336-AGGAGCTGGT-A. GRCh37 (hg19) VCF-style: chr4-1806063-AGGAGCTGGT-A.
Other names: c.1087_1095delCTGGTGGAG, p.Leu363_Glu365del (NM_000142.4); c.1093_1101del, p.Leu365_Glu367del (NM_001163213.2); c.1087_1095del, p.Leu363_Glu365del (NM_001354809.2, NM_001354810.2); c.931-483_931-475del (NM_022965.4).
Identifiers: ClinVar variation 3361317 (VCV003361317.2).

ClinVar aggregate classification (germline): Uncertain significance (1 of 4 stars; one submission).

Submission:

GeneDx
Classification: Uncertain significance. Last evaluated: 2024-12-03. Review status: criteria provided, single submitter. Criteria: GeneDx Variant Classification Process June 2021. Collection method: clinical testing. Allele origin: germline.
Comment: In-frame deletion of 3 amino acids in a non-repeat region; In silico analysis supports a deleterious effect on protein structure/function; Not observed at significant frequency in large population cohorts (gnomAD); Has not been previously published as pathogenic or benign to our knowledge